The following is an entry in ClinVar:

NM_004370.6(COL12A1):c.1125C>A (p.Ser375Arg)

Gene: COL12A1 (collagen type XII alpha 1 chain; minus strand). Cytogenetic location: 6q13.
Variant type: single nucleotide variant.
Coding change: c.1125C>A on transcript NM_004370.6 (MANE Select); coding-DNA position 1125, C replaced by A.
Protein change: p.Ser375Arg; replaces serine 375 with arginine.
Molecular consequence: missense variant. On other transcripts: intron variant (2).
Genome position (GRCh38, 1-based): chr6:75,184,017, G>T on the plus strand (C>A on the coding strand, the complement: COL12A1 is on the minus strand). VCF-style: chr6-75184017-G-T. GRCh37 (hg19) VCF-style: chr6-75893733-G-T.
Other names: c.1125C>A, p.Ser375Arg (NM_001424113.1, NM_001424114.1, NM_001424115.1); c.73+18703C>A (NM_001424116.1, NM_080645.3); short protein forms S375R.
Identifiers: ClinVar variation 4782515 (VCV004782515.1).

ClinVar aggregate classification (germline): Uncertain significance (1 of 4 stars; one submission).

Conditions:
Ullrich congenital muscular dystrophy 2 (UCMD2). Identifiers: Orphanet 75840, MedGen C4225314, MONDO:0014654, OMIM 616470.
Bethlem myopathy 2 (BTHLM2). Identifiers: Orphanet 536516, Orphanet 610, MedGen C4225313, MONDO:0034022, OMIM 616471.

gnomAD v4.1: 2 of 1,614,022 alleles (0.00012%); highest among the groups gnomAD compares: Non-Finnish European, 0.00017%; no homozygotes.

Submission:

Labcorp Genetics (formerly Invitae), Labcorp
Classification: Uncertain significance for Bethlem myopathy 2; Ullrich congenital muscular dystrophy 2. Last evaluated: 2025-12-11. Review status: criteria provided, single submitter. Criteria: Invitae Variant Classification Sherloc (09022015). Collection method: clinical testing. Allele origin: germline.
Comment: This sequence change replaces serine, which is neutral and polar, with arginine, which is basic and polar, at codon 375 of the COL12A1 protein (p.Ser375Arg). This variant is not present in population databases (gnomAD no frequency). This variant has not been reported in the literature in individuals affected with COL12A1-related conditions. Invitae Evidence Modeling of protein sequence and biophysical properties (such as structural, functional, and spatial information, amino acid conservation, physicochemical variation, residue mobility, and thermodynamic stability) indicates that this missense variant is not expected to disrupt COL12A1 protein function with a negative predictive value of 80%. In summary, the available evidence is currently insufficient to determine the role of this variant in disease. Therefore, it has been classified as a Variant of Uncertain Significance.